The following is an entry in ClinVar:

ClinVar aggregate classification (germline): Conflicting classifications of pathogenicity. Review status: criteria provided, conflicting classifications (1 of 4 stars). 2 submissions from 2 submitters: Uncertain significance (1); Likely benign (1). Last evaluated 2022-04-19.

Conditions:
Multiple congenital anomalies/dysmorphic syndrome. Identifiers: Orphanet 68341, MedGen C5681310, MONDO:0019042.

Allele frequency attached by ClinVar (database versions not stated): 1000 Genomes Project 30x 0.00016; gnomAD 0.00004; gnomAD exomes 0.00013; ExAC 0.00003.
gnomAD v4.1: 194 of 1,611,028 alleles (0.012%); highest among the groups gnomAD compares: Non-Finnish European, 0.016%; no homozygotes.

Submissions (2):

Labcorp Genetics (formerly Invitae), Labcorp
Classification: Uncertain significance. Last evaluated: 2022-04-19. Review status: criteria provided, single submitter. Criteria: Invitae Variant Classification Sherloc (09022015). Collection method: clinical testing. Allele origin: germline.
Comment: This sequence change replaces serine, which is neutral and polar, with cysteine, which is neutral and slightly polar, at codon 2840 of the SRCAP protein (p.Ser2840Cys). This variant is present in population databases (rs765874179, gnomAD 0.008%). This variant has not been reported in the literature in individuals affected with SRCAP-related conditions. Algorithms developed to predict the effect of missense changes on protein structure and function are either unavailable or do not agree on the potential impact of this missense change (SIFT: "Deleterious"; PolyPhen-2: "Not Available"; Align-GVGD: "Class C0"). In summary, the available evidence is currently insufficient to determine the role of this variant in disease. Therefore, it has been classified as a Variant of Uncertain Significance.

Cambridge Genomics Laboratory, East Genomic Laboratory Hub, NHS Genomic Medicine Service
Classification: Likely benign for Multiple congenital anomalies/dysmorphic syndrome. Last evaluated: 2020-02-11. Review status: criteria provided, single submitter. Criteria: ACGS Best Practice Guidelines for Variant Classification in Rare Disease 2020. Collection method: clinical testing. Allele origin: germline. Affected: yes. Observed: 1 variant allele.

NM_006662.3(SRCAP):c.8518A>T (p.Ser2840Cys)

Gene: SRCAP (Snf2 related CREBBP activator protein; plus strand). Cytogenetic location: 16p11.2.
Variant type: single nucleotide variant.
Coding change: c.8518A>T on transcript NM_006662.3 (MANE Select); coding-DNA position 8518, A replaced by T.
Protein change: p.Ser2840Cys; replaces serine 2840 with cysteine.
Molecular consequence: missense variant.
Genome position (GRCh38, 1-based): chr16:30,738,558, A>T. VCF-style: chr16-30738558-A-T. GRCh37 (hg19) VCF-style: chr16-30749879-A-T.
Other names: short protein forms S2840C.
Identifiers: ClinVar variation 1981924 (VCV001981924.4), dbSNP rs765874179, ClinGen allele CA8012718.
Genomic context (GRCh38, chr16:30,738,558, plus strand): 5'-CCACCCCAGCAGCCCTTCATTGCTCGCCGTCACATTGAGCTGGGGGTGACTGGTGGTGGC[A>T]GCCCCGAGAATGGAGACGGAGCACTGCTCGCCATCACCCCACCTGCTGTGAAACGTCGGA-3'
Protein context (NP_006653.2, residues 2830-2850): HIELGVTGGG[Ser2840Cys]PENGDGALLA